The following is an entry in ClinVar:

ClinVar aggregate classification (germline): Pathogenic (1 of 4 stars; one submission).

Submission:

Labcorp Genetics (formerly Invitae), Labcorp
Classification: Pathogenic. Last evaluated: 2025-11-22. Review status: criteria provided, single submitter. Criteria: Invitae Variant Classification Sherloc (09022015). Collection method: clinical testing. Allele origin: germline.
Comment: This sequence change creates a premature translational stop signal (p.His256*) in the TRMU gene. It is expected to result in an absent or disrupted protein product. Loss-of-function variants in TRMU are known to be pathogenic (PMID: 19732863, 23625533). This variant is present in population databases (rs779454362, gnomAD 0.006%). This variant has not been reported in the literature in individuals affected with TRMU-related conditions. Algorithms developed to predict the effect of sequence changes on RNA splicing suggest that this variant may disrupt the consensus splice site. For these reasons, this variant has been classified as Pathogenic.

Literature cited by the submitters: PubMed 19732863; PubMed 23625533.

NM_018006.5(TRMU):c.766_767del (p.Thr255_His256insTer)

Gene: TRMU (tRNA mitochondrial 2-thiouridylase; plus strand). Cytogenetic location: 22q13.31.
Variant type: Microsatellite.
Coding change: c.766_767del on transcript NM_018006.5 (MANE Select); coding-DNA positions 766 to 767, 2 bases deleted (CA; older notation c.766_767delCA).
Protein change: p.Thr255_His256insTer.
Molecular consequence: nonsense. On other transcripts: non-coding transcript variant (2).
Genome position (GRCh38, 1-based): chr22:46,352,324-46,352,325, CA deleted; deleting any 2 consecutive bases within chr22:46,352,321-46,352,325 gives the same sequence; the c. name uses the placement nearest the transcript's 3' end. VCF-style (leftmost placement, unchanged base first): chr22-46352320-AAC-A. GRCh37 (hg19) VCF-style: chr22-46748217-AAC-A.
Other names: c.424_425del, p.Thr141_His142insTer (NM_001282782.2); c.346_347del, p.Thr115_His116insTer (NM_001282783.2, NM_001282784.2); c.766_767del, p.Thr255_His256insTer (NM_001282785.2).
Identifiers: ClinVar variation 4731686 (VCV004731686.1).